The following is an entry in ClinVar:

ClinVar aggregate classification (germline): Likely pathogenic (1 of 4 stars; one submission).

Conditions:
Congenital adrenal hyperplasia. Identifiers: Orphanet 418, MedGen C0001627, MONDO:0018479, HP:0008258.

Submission:

Women's Health and Genetics/Laboratory Corporation of America, LabCorp
Classification: Likely pathogenic for Congenital adrenal hyperplasia. Last evaluated: 2022-08-31. Review status: criteria provided, single submitter. Criteria: LabCorp Variant Classification Summary - May 2015. Collection method: clinical testing. Allele origin: germline.
Comment: Variant summary: HSD3B2 c.376G>T (p.Glu126X) results in a premature termination codon, predicted to cause a truncation of the encoded protein or absence of the protein due to nonsense mediated decay, which are commonly known mechanisms for disease. Truncations downstream of this position have been classified as pathogenic by our laboratory and also found in the HGMD database. The variant was absent in 251016 control chromosomes. To our knowledge, no occurrence of c.376G>T in individuals affected with Congenital Adrenal Hyperplasia and no experimental evidence demonstrating its impact on protein function have been reported. No clinical diagnostic laboratories have submitted clinical-significance assessments for this variant to ClinVar after 2014. Based on the evidence outlined above, the variant was classified as likely pathogenic.

NM_000198.4(HSD3B2):c.376G>T (p.Glu126Ter)

Gene: HSD3B2 (hydroxy-delta-5-steroid dehydrogenase, 3 beta- and steroid delta-isomerase 2; plus strand). Cytogenetic location: 1p12.
Variant type: single nucleotide variant.
Coding change: c.376G>T on transcript NM_000198.4 (MANE Select); coding-DNA position 376, G replaced by T.
Protein change: p.Glu126Ter; replaces glutamic acid 126 with a stop codon.
Molecular consequence: nonsense.
Genome position (GRCh38, 1-based): chr1:119,421,877, G>T. VCF-style: chr1-119421877-G-T. GRCh37 (hg19) VCF-style: chr1-119964500-G-T.
Other names: c.376G>T, p.Glu126Ter (NM_001166120.2); short protein forms E126*.
Identifiers: ClinVar variation 1705245 (VCV001705245.1), dbSNP rs2526391378, ClinGen allele CA341396128.
Genomic context (GRCh38, chr1:119,421,877, plus strand): 5'-CTACTGTTGGAGGCCTGTGTCCAAGCCAGTGTGCCAGTCTTCATCTACACCAGTAGCATA[G>T]AGGTAGCCGGGCCCAACTCCTACAAGGAAATCATCCAGAACGGCCACGAAGAAGAGCCTC-3'